The following is an entry in ClinVar:

ClinVar aggregate classification (germline): Conflicting classifications of pathogenicity. Review status: criteria provided, conflicting classifications (1 of 4 stars). 3 submissions from 3 submitters: Uncertain significance (1); Likely benign (2). Last evaluated 2025-02-01.

Conditions:
Episodic ataxia type 6. Identifiers: Orphanet 209967, MedGen C2675211, MONDO:0012982, OMIM 612656.

Allele frequency attached by ClinVar (database versions not stated): ExAC 0.00001; gnomAD exomes 0.00002 and 0.00004; gnomAD 0.00006 and 0.00007; TOPMed 0.00007.
gnomAD v4.1: 76 of 1,613,054 alleles (0.0047%); highest among the groups gnomAD compares: Non-Finnish European, 0.0057%; no homozygotes.

Submissions (3):

CeGaT Center for Human Genetics Tuebingen
Classification: Likely benign. Last evaluated: 2025-02-01. Review status: criteria provided, single submitter. Criteria: CeGaT Center For Human Genetics Tuebingen Variant Classification Criteria Version 2. Collection method: clinical testing. Allele origin: germline. Affected: yes. Observed: 2 variant alleles.
Comment: SLC1A3: BP4, BP7

Labcorp Genetics (formerly Invitae), Labcorp
Classification: Likely benign. Last evaluated: 2024-08-08. Review status: criteria provided, single submitter. Criteria: Invitae Variant Classification Sherloc (09022015). Collection method: clinical testing. Allele origin: germline.

Illumina Laboratory Services, Illumina
Classification: Uncertain significance for Episodic ataxia type 6. Last evaluated: 2018-01-13. Review status: criteria provided, single submitter. Criteria: ICSL Variant Classification Criteria 13 December 2019. Collection method: clinical testing. Allele origin: germline.

NM_004172.5(SLC1A3):c.1284A>C (p.Thr428=)

Genes: SLC1A3 (solute carrier family 1 member 3; plus strand), SLC1A3-AS1 (SLC1A3 antisense RNA 1; minus strand). Cytogenetic location: 5p13.2.
Variant type: single nucleotide variant.
Coding change: c.1284A>C on transcript NM_004172.5 (MANE Select); coding-DNA position 1284, A replaced by C.
Protein change: p.Thr428=; no amino-acid change (threonine 428 retained).
Molecular consequence: synonymous variant.
Genome position (GRCh38, 1-based): chr5:36,680,584, A>C. VCF-style: chr5-36680584-A-C. GRCh37 (hg19) VCF-style: chr5-36680686-A-C.
Other names: c.1284A>C, p.Thr428= (NM_001166695.3); c.1146A>C, p.Thr382= (NM_001289939.2); c.948A>C, p.Thr316= (NM_001289940.2).
Identifiers: ClinVar variation 353324 (VCV000353324.31), dbSNP rs200947079, ClinGen allele CA3235636.
Genomic context (GRCh38, chr5:36,680,584, plus strand): 5'-GGCTGCCATTTTCATTGCTCAAGTTAACAACTTTGAACTGAACTTCGGACAAATTATTAC[A>C]ATCAGGTACAAGGAAAGAGTTCTATACACCCTTTCTTAAGAATGCCTTTAAGGCTGGGCG-3'
Protein context (NP_004163.3, residues 418-438): NFELNFGQII[Thr428=]ISITATAASI